The following is an entry in ClinVar:

ClinVar aggregate classification (germline): Uncertain significance (1 of 4 stars; one submission).

Submission:

Labcorp Genetics (formerly Invitae), Labcorp
Classification: Uncertain significance. Last evaluated: 2024-05-20. Review status: criteria provided, single submitter. Criteria: Invitae Variant Classification Sherloc (09022015). Collection method: clinical testing. Allele origin: germline.
Comment: This sequence change replaces lysine, which is basic and polar, with glutamic acid, which is acidic and polar, at codon 415 of the DZIP1L protein (p.Lys415Glu). This variant is not present in population databases (gnomAD no frequency). This variant has not been reported in the literature in individuals affected with DZIP1L-related conditions. ClinVar contains an entry for this variant (Variation ID: 2049926). Algorithms developed to predict the effect of missense changes on protein structure and function output the following: SIFT: "Not Available"; PolyPhen-2: "Benign"; Align-GVGD: "Not Available". The glutamic acid amino acid residue is found in multiple mammalian species, which suggests that this missense change does not adversely affect protein function. In summary, the available evidence is currently insufficient to determine the role of this variant in disease. Therefore, it has been classified as a Variant of Uncertain Significance.

NM_173543.3(DZIP1L):c.1243A>G (p.Lys415Glu)

Gene: DZIP1L (DAZ interacting zinc finger protein 1 like; minus strand). Cytogenetic location: 3q22.3.
Variant type: single nucleotide variant.
Coding change: c.1243A>G on transcript NM_173543.3 (MANE Select); coding-DNA position 1243, A replaced by G.
Protein change: p.Lys415Glu; replaces lysine 415 with glutamic acid.
Molecular consequence: missense variant.
Genome position (GRCh38, 1-based): chr3:138,080,612, T>C on the plus strand (A>G on the coding strand, the complement: DZIP1L is on the minus strand). VCF-style: chr3-138080612-T-C. GRCh37 (hg19) VCF-style: chr3-137799454-T-C.
Other names: c.1243A>G, p.Lys415Glu (NM_001170538.1); short protein forms K415E.
Identifiers: ClinVar variation 2049926 (VCV002049926.4), dbSNP rs2472676435, ClinGen allele CA354668151.